The following is an entry in ClinVar:

NM_000384.3(APOB):c.11629A>T (p.Ile3877Phe)

Gene: APOB (apolipoprotein B; minus strand). Cytogenetic location: 2p24.1.
Variant type: single nucleotide variant.
Coding change: c.11629A>T on transcript NM_000384.3 (MANE Select); coding-DNA position 11629, A replaced by T.
Protein change: p.Ile3877Phe; replaces isoleucine 3877 with phenylalanine.
Molecular consequence: missense variant.
Genome position (GRCh38, 1-based): chr2:21,005,239, T>A on the plus strand (A>T on the coding strand, the complement: APOB is on the minus strand). VCF-style: chr2-21005239-T-A. GRCh37 (hg19) VCF-style: chr2-21228111-T-A.
Other names: short protein forms I3877F.
Identifiers: ClinVar variation 5027371 (VCV005027371.1).

ClinVar aggregate classification (germline): Uncertain significance (1 of 4 stars; one submission).

Conditions:
Cardiovascular phenotype. Identifiers: MedGen CN230736.

gnomAD v4.1: 1 of 1,614,000 alleles (0.000062%); highest among the groups gnomAD compares: South Asian, 0.0011%; no homozygotes.

Submission:

Ambry Genetics
Classification: Uncertain significance for Cardiovascular phenotype. Last evaluated: 2026-07-02. Review status: criteria provided, single submitter. Criteria: Ambry Variant Classification Scheme 2023. Collection method: clinical testing. Allele origin: germline.
Comment: The p.I3877F variant (also known as c.11629A>T), located in coding exon 26 of the APOB gene, results from an A to T substitution at nucleotide position 11629. The isoleucine at codon 3877 is replaced by phenylalanine, an amino acid with highly similar properties. This amino acid position is conserved. In addition, this alteration is predicted to be tolerated by in silico analysis. Based on the available evidence, the clinical significance of this variant remains unclear.